The following is an entry in ClinVar:

NM_004963.4(GUCY2C):c.1345G>A (p.Val449Ile)

Gene: GUCY2C (guanylate cyclase 2C; minus strand). Cytogenetic location: 12p12.3.
Variant type: single nucleotide variant.
Coding change: c.1345G>A on transcript NM_004963.4 (MANE Select); coding-DNA position 1345, G replaced by A.
Protein change: p.Val449Ile; replaces valine 449 with isoleucine.
Molecular consequence: missense variant.
Genome position (GRCh38, 1-based): chr12:14,661,000, C>T on the plus strand (G>A on the coding strand, the complement: GUCY2C is on the minus strand). VCF-style: chr12-14661000-C-T. GRCh37 (hg19) VCF-style: chr12-14813934-C-T.
Other names: p.Val449Ile; c.1345G>A (NM_004963.3); short protein forms V449I.
Identifiers: ClinVar variation 1444669 (VCV001444669.10), dbSNP rs375918996, ClinGen allele CA6463455.

ClinVar aggregate classification (germline): Conflicting classifications of pathogenicity. Review status: criteria provided, conflicting classifications (1 of 4 stars). 3 submissions from 3 submitters: Uncertain significance (2); Likely benign (1). Last evaluated 2025-12-06.

Conditions:
Inborn genetic diseases. Identifiers: MedGen C0950123, MeSH D030342.

Allele frequency attached by ClinVar (database versions not stated): gnomAD exomes 0.00002 and 0.00004; ExAC 0.00005; gnomAD 0.00005 and 0.00006; ESP Exome Variant Server 0.00008; TOPMed 0.00015; 1000 Genomes Project 30x 0.00016; 1000 Genomes Project 0.00020.
gnomAD v4.1: 68 of 1,612,042 alleles (0.0042%); highest among the groups gnomAD compares: Middle Eastern, 0.017%; no homozygotes.

Submissions (3):

Labcorp Genetics (formerly Invitae), Labcorp
Classification: Uncertain significance. Last evaluated: 2025-12-06. Review status: criteria provided, single submitter. Criteria: Invitae Variant Classification Sherloc (09022015). Collection method: clinical testing. Allele origin: germline.
Comment: This sequence change replaces valine, which is neutral and non-polar, with isoleucine, which is neutral and non-polar, at codon 449 of the GUCY2C protein (p.Val449Ile). This variant is present in population databases (rs375918996, gnomAD 0.004%). This variant has not been reported in the literature in individuals affected with GUCY2C-related conditions. ClinVar contains an entry for this variant (Variation ID: 1444669). Invitae Evidence Modeling of protein sequence and biophysical properties (such as structural, functional, and spatial information, amino acid conservation, physicochemical variation, residue mobility, and thermodynamic stability) indicates that this missense variant is not expected to disrupt GUCY2C protein function with a negative predictive value of 80%. In summary, the available evidence is currently insufficient to determine the role of this variant in disease. Therefore, it has been classified as a Variant of Uncertain Significance.

Mayo Clinic Laboratories, Mayo Clinic
Classification: Uncertain significance. Last evaluated: 2024-04-01. Review status: criteria provided, single submitter. Criteria: ACMG Guidelines, 2015. Collection method: clinical testing. Allele origin: germline. Observed: 1 variant allele.
Comment: BP4_strong

Ambry Genetics
Classification: Likely benign for Inborn genetic diseases. Last evaluated: 2023-12-14. Review status: criteria provided, single submitter. Criteria: Ambry Variant Classification Scheme 2023. Collection method: clinical testing. Allele origin: germline.